The following is an entry in ClinVar:

ClinVar aggregate classification (germline): other (0 of 4 stars; one submission).

Conditions:
Familial colorectal cancer. Identifiers: MedGen CN280943, MONDO:0023113. Disease mechanism: loss of function.

Submission:

Systems Biology Platform Zhejiang California International NanoSystems Institute
Classification: other for Familial colorectal cancer. Review status: no assertion criteria provided. Collection method: not provided. Allele origin: unknown.
ClinVar note: Converted during submission from cancer to other.

NC_000005.10:g.112846994A>G

Variant type: single nucleotide variant.
Genome position: GRCh38 VCF-style: chr5-112846994-A-G. GRCh37 (hg19) VCF-style: chr5-112182691-A-G.
Identifiers: ClinVar variation 83275 (VCV000083275.3), dbSNP rs448162, ClinGen allele CA250967.